The following is an entry in ClinVar:

NM_014112.5(TRPS1):c.587C>T (p.Ala196Val)

Gene: TRPS1 (transcriptional repressor GATA binding 1; minus strand). Cytogenetic location: 8q23.3.
Variant type: single nucleotide variant.
Coding change: c.587C>T on transcript NM_014112.5 (MANE Select); coding-DNA position 587, C replaced by T.
Protein change: p.Ala196Val; replaces alanine 196 with valine.
Molecular consequence: missense variant.
Genome position (GRCh38, 1-based): chr8:115,619,511, G>A on the plus strand (C>T on the coding strand, the complement: TRPS1 is on the minus strand). VCF-style: chr8-115619511-G-A. GRCh37 (hg19) VCF-style: chr8-116631738-G-A.
Other names: c.587C>T (NM_014112.2); c.560C>T, p.Ala187Val (NM_001282902.3); c.566C>T, p.Ala189Val (NM_001282903.3); c.548C>T, p.Ala183Val (NM_001330599.2); short protein forms A187V, A189V, A183V, A196V.
Identifiers: ClinVar variation 2933502 (VCV002933502.4), dbSNP rs1013920791, ClinGen allele CA184619277.

ClinVar aggregate classification (germline): Uncertain significance. Review status: criteria provided, multiple submitters, no conflicts (2 of 4 stars). 2 submissions from 2 submitters: Uncertain significance (2). Last evaluated 2025-05-20.

Conditions:
Inborn genetic diseases. Identifiers: MedGen C0950123, MeSH D030342.
Trichorhinophalangeal dysplasia type I (TRPS1). Also called: TRICHORHINOPHALANGEAL SYNDROME, TYPE I; TRPS I. Identifiers: Orphanet 77258, MedGen C0432233, MONDO:0008596, OMIM 190350.
Trichorhinophalangeal syndrome, type III (TRPS3). Also called: SUGIO-KAJII SYNDROME. Identifiers: Orphanet 77258, MedGen C1860823, OMIM 190351, MONDO:0008597.

gnomAD v4.1: 35 of 1,614,112 alleles (0.0022%); highest among the groups gnomAD compares: Non-Finnish European, 0.0029%; no homozygotes.

Submissions (2):

Ambry Genetics
Classification: Uncertain significance for Inborn genetic diseases. Last evaluated: 2025-05-20. Review status: criteria provided, single submitter. Criteria: Ambry Variant Classification Scheme 2023. Collection method: clinical testing. Allele origin: germline.

Labcorp Genetics (formerly Invitae), Labcorp
Classification: Uncertain significance for Trichorhinophalangeal syndrome, type III; Trichorhinophalangeal dysplasia type I. Last evaluated: 2023-05-26. Review status: criteria provided, single submitter. Criteria: Invitae Variant Classification Sherloc (09022015). Collection method: clinical testing. Allele origin: germline.
Comment: In summary, the available evidence is currently insufficient to determine the role of this variant in disease. Therefore, it has been classified as a Variant of Uncertain Significance. Advanced modeling of protein sequence and biophysical properties (such as structural, functional, and spatial information, amino acid conservation, physicochemical variation, residue mobility, and thermodynamic stability) performed at Invitae indicates that this missense variant is not expected to disrupt TRPS1 protein function. This variant has not been reported in the literature in individuals affected with TRPS1-related conditions. This variant is present in population databases (no rsID available, gnomAD 0.003%). This sequence change replaces alanine, which is neutral and non-polar, with valine, which is neutral and non-polar, at codon 196 of the TRPS1 protein (p.Ala196Val).